The following is an entry in ClinVar:

ClinVar aggregate classification (germline): Conflicting classifications of pathogenicity. Review status: criteria provided, conflicting classifications (1 of 4 stars). 6 submissions from 6 submitters: Pathogenic (4); Uncertain significance (1). 1 of the submissions does not count toward it. Last evaluated 2026-01-02.

Conditions:
Menkes kinky-hair syndrome (MNK). Also called: Menkes Disease; Copper transport disease; Classic Menkes Disease. Identifiers: Orphanet 565, MedGen C0022716, MONDO:0010651, OMIM 309400.
Cutis laxa, X-linked (OHS). Also called: EDS IX; Occipital horn syndrome. Identifiers: Orphanet 198, MedGen C0268353, MONDO:0010572, OMIM 304150.
X-linked distal spinal muscular atrophy type 3. Also called: SPINAL MUSCULAR ATROPHY, DISTAL, X-LINKED RECESSIVE; NEURONOPATHY, DISTAL HEREDITARY MOTOR, X-LINKED; NEUROPATHY, DISTAL HEREDITARY MOTOR, X-LINKED; ATP7A-Related Distal Motor Neuropathy. Identifiers: Orphanet 139557, MedGen C1845359, MONDO:0010338, OMIM 300489.

Submissions (6):

Labcorp Genetics (formerly Invitae), Labcorp
Classification: Pathogenic for X-linked distal spinal muscular atrophy type 3; Cutis laxa, X-linked; Menkes kinky-hair syndrome. Last evaluated: 2026-01-02. Review status: criteria provided, single submitter. Criteria: Invitae Variant Classification Sherloc (09022015). Collection method: clinical testing. Allele origin: germline.
Comment: This sequence change creates a premature translational stop signal (p.Arg409*) in the ATP7A gene. It is expected to result in an absent or disrupted protein product. Loss-of-function variants in ATP7A are known to be pathogenic (PMID: 11241493, 20652413). This variant is not present in population databases (gnomAD no frequency). This premature translational stop signal has been observed in individual(s) with Menkes disease (PMID: 8981948). ClinVar contains an entry for this variant (Variation ID: 210389). For these reasons, this variant has been classified as Pathogenic.

Women's Health and Genetics/Laboratory Corporation of America, LabCorp
Classification: Pathogenic for Menkes kinky-hair syndrome. Last evaluated: 2025-02-27. Review status: criteria provided, single submitter. Criteria: LabCorp Variant Classification Summary - May 2015. Collection method: clinical testing. Allele origin: germline.
Comment: Variant summary: ATP7A c.1225C>T (p.Arg409X) results in a premature termination codon, predicted to cause a truncation of the encoded protein or absence of the protein due to nonsense mediated decay, which are commonly known mechanisms for disease. The variant was absent in 181793 control chromosomes. c.1225C>T has been reported in the literature in individuals affected with Menkes Kinky-Hair Syndrome (Tumer_1997). To our knowledge, no experimental evidence demonstrating an impact on protein function has been reported. The following publication have been ascertained in the context of this evaluation (PMID: 8981948). ClinVar contains an entry for this variant (Variation ID: 210389). Based on the evidence outlined above, the variant was classified as pathogenic.

GeneDx
Classification: Pathogenic. Last evaluated: 2024-10-07. Review status: criteria provided, single submitter. Criteria: GeneDx Variant Classification Process June 2021. Collection method: clinical testing. Allele origin: germline. Affected: yes.
Comment: Nonsense variant predicted to result in protein truncation or nonsense mediated decay in a gene for which loss of function is a known mechanism of disease; Not observed at significant frequency in large population cohorts (gnomAD); This variant is associated with the following publications: (PMID: 25525159, 8981948)

Genomic Medicine Center of Excellence, King Faisal Specialist Hospital and Research Centre
Classification: Uncertain significance for Menkes kinky-hair syndrome. Last evaluated: 2024-03-26. Review status: criteria provided, single submitter. Criteria: ACMG Guidelines, 2015. Collection method: clinical testing. Allele origin: germline.

Genetic Services Laboratory, University of Chicago
Classification: Pathogenic for Menkes disease. Last evaluated: 2013-02-08. Review status: criteria provided, single submitter. Criteria: ACMG Guidelines, 2007. Collection method: clinical testing. Allele origin: germline. Affected: yes.

Inherited Neuropathy Consortium Ii, University Of Miami
Classification: Uncertain significance for Menkes kinky-hair syndrome. Last evaluated: 2016-01-06. Review status: no assertion criteria provided. Collection method: literature only. Allele origin: germline. Affected: yes. Not counted in ClinVar's aggregate classification.

Literature cited by the submitters: PubMed 11241493 (cited by Labcorp Genetics (formerly Invitae), Labcorp); PubMed 20652413 (cited by Labcorp Genetics (formerly Invitae), Labcorp); PubMed 8981948 (cited by Labcorp Genetics (formerly Invitae), Labcorp and Women's Health and Genetics/Laboratory Corporation of America, LabCorp); PubMed 22573628 (cited by Inherited Neuropathy Consortium Ii, University Of Miami).

NM_000052.7(ATP7A):c.1225C>T (p.Arg409Ter)

Gene: ATP7A (ATPase copper transporting alpha; plus strand). Cytogenetic location: Xq21.1.
Variant type: single nucleotide variant.
Coding change: c.1225C>T on transcript NM_000052.7 (MANE Select); coding-DNA position 1225, C replaced by T.
Protein change: p.Arg409Ter; replaces arginine 409 with a stop codon.
Molecular consequence: nonsense.
Genome position (GRCh38, 1-based): chrX:77,989,847, C>T. VCF-style: chrX-77989847-C-T. GRCh37 (hg19) VCF-style: chrX-77245343-C-T.
Other names: c.1225C>T, p.Arg409Ter (NM_001282224.2); c.1225C>T (NM_000052.6); short protein forms R409*.
Identifiers: ClinVar variation 210389 (VCV000210389.15), dbSNP rs72554636, ClinGen allele CA277324.
Genomic context (GRCh38, chrX:77,989,847, plus strand): 5'-AATTCCTGTGTGCAGTCTATTGAGGGTGTCATATCAAAAAAGCCAGGTGTAAAATCCATA[C>T]GAGTCTCCCTTGCAAATAGCAATGGGACTGTTGAGTATGATCCTCTACTAACCTCTCCAG-3'